The following is an entry in ClinVar:

ClinVar aggregate classification (germline): Uncertain significance (1 of 4 stars; one submission).

Submission:

Labcorp Genetics (formerly Invitae), Labcorp
Classification: Uncertain significance. Last evaluated: 2024-07-30. Review status: criteria provided, single submitter. Criteria: Invitae Variant Classification Sherloc (09022015). Collection method: clinical testing. Allele origin: germline.
Comment: This sequence change falls in intron 18 of the CNGB1 gene. It does not directly change the encoded amino acid sequence of the CNGB1 protein. It affects a nucleotide within the consensus splice site. This variant is not present in population databases (gnomAD no frequency). This variant has not been reported in the literature in individuals affected with CNGB1-related conditions. Variants that disrupt the consensus splice site are a relatively common cause of aberrant splicing (PMID: 17576681, 9536098). Algorithms developed to predict the effect of sequence changes on RNA splicing suggest that this variant is not likely to affect RNA splicing. In summary, the available evidence is currently insufficient to determine the role of this variant in disease. Therefore, it has been classified as a Variant of Uncertain Significance.

Literature cited by the submitters: PubMed 17576681; PubMed 9536098.

NM_001297.5(CNGB1):c.1644-3C>T

Gene: CNGB1 (cyclic nucleotide gated channel subunit beta 1; minus strand). Cytogenetic location: 16q21.
Variant type: single nucleotide variant.
Coding change: c.1644-3C>T on transcript NM_001297.5 (MANE Select); 3 bases into the intron before coding-DNA position 1644, C replaced by T.
Molecular consequence: intron variant.
Genome position (GRCh38, 1-based): chr16:57,920,547, G>A on the plus strand (C>T on the coding strand, the complement: CNGB1 is on the minus strand). VCF-style: chr16-57920547-G-A. GRCh37 (hg19) VCF-style: chr16-57954451-G-A.
Other names: c.1626-3C>T (NM_001286130.2).
Identifiers: ClinVar variation 3660858 (VCV003660858.2).